The following is an entry in ClinVar:

ClinVar aggregate classification (germline): Uncertain significance (0 of 4 stars; one submission).

Conditions:
TG-related disorder. Also called: TG-related condition; TG-related disorders.

gnomAD v4.1: 2 of 1,613,760 alleles (0.00012%); highest among the groups gnomAD compares: Non-Finnish European, 0.00017%; no homozygotes.

Submission:

PreventionGenetics, part of Exact Sciences
Classification: Uncertain significance for TG-related condition. Last evaluated: 2024-07-09. Review status: no assertion criteria provided. Collection method: clinical testing. Allele origin: germline.
Comment: The TG c.5689T>C variant is predicted to result in the amino acid substitution p.Cys1897Arg. To our knowledge, this variant has not been reported in the literature or in a large population database, indicating this variant is rare. A different variant affecting the same amino acid (p.Cys1897Tyr) has been reported in the compound heterozygous state in an individual with congenital hypothyroidism (Kitanaka et al. 2006. PubMed ID: 16477365, the same patient also reported in Hishinuma et al. 2006. PubMed ID: 16720658 using the legacy nomenclature). Although we suspect that this variant may be pathogenic, at this time, the clinical significance of this variant is uncertain due to the absence of conclusive functional and genetic evidence.

NM_003235.5(TG):c.5689T>C (p.Cys1897Arg)

Gene: TG (thyroglobulin; plus strand). Cytogenetic location: 8q24.22.
Variant type: single nucleotide variant.
Coding change: c.5689T>C on transcript NM_003235.5 (MANE Select); coding-DNA position 5689, T replaced by C.
Protein change: p.Cys1897Arg; replaces cysteine 1897 with arginine.
Molecular consequence: missense variant.
Genome position (GRCh38, 1-based): chr8:132,967,796, T>C. VCF-style: chr8-132967796-T-C. GRCh37 (hg19) VCF-style: chr8-133980041-T-C.
Other names: short protein forms C1897R.
Identifiers: ClinVar variation 3344157 (VCV003344157.1).